The following is an entry in ClinVar:

NM_001211.6(BUB1B):c.2508C>G (p.His836Gln)

Gene: BUB1B (BUB1 mitotic checkpoint serine/threonine kinase B; plus strand). Cytogenetic location: 15q15.1.
Variant type: single nucleotide variant.
Coding change: c.2508C>G on transcript NM_001211.6 (MANE Select); coding-DNA position 2508, C replaced by G.
Protein change: p.His836Gln; replaces histidine 836 with glutamine.
Molecular consequence: missense variant.
Genome position (GRCh38, 1-based): chr15:40,212,621, C>G. VCF-style: chr15-40212621-C-G. GRCh37 (hg19) VCF-style: chr15-40504822-C-G.
Other names: short protein forms H836Q.
Identifiers: ClinVar variation 844989 (VCV000844989.14), dbSNP rs181352808, ClinGen allele CA7476057.

ClinVar aggregate classification (germline): Uncertain significance. Review status: criteria provided, multiple submitters, no conflicts (2 of 4 stars). 4 submissions from 4 submitters: Uncertain significance (4). Last evaluated 2025-08-11.

Conditions:
Inborn genetic diseases. Identifiers: MedGen C0950123, MeSH D030342.
Mosaic variegated aneuploidy syndrome 1 (MVA1). Also called: Warburton-Anyane-Yeboa syndrome. Identifiers: Orphanet 1052, MedGen C1850343, MONDO:0009759, OMIM 257300.

Allele frequency attached by ClinVar (database versions not stated): TOPMed 0.00005; gnomAD exomes 0.00002; 1000 Genomes Project 0.00020; gnomAD 0.00001; ExAC 0.00002; 1000 Genomes Project 30x 0.00016.
gnomAD v4.1: 19 of 1,613,416 alleles (0.0012%); highest among the groups gnomAD compares: Admixed American, 0.012%; no homozygotes.

Submissions (4):

GeneDx
Classification: Uncertain significance. Last evaluated: 2025-08-11. Review status: criteria provided, single submitter. Criteria: GeneDx Variant Classification Process June 2021. Collection method: clinical testing. Allele origin: germline. Affected: yes.
Comment: In silico analysis supports that this missense variant has a deleterious effect on protein structure/function; Has not been previously published as pathogenic or benign to our knowledge; This variant is associated with the following publications: (PMID: 27331020)

Dasa
Classification: Uncertain significance. Last evaluated: 2025-08-04. Review status: criteria provided, single submitter. Criteria: DASA Assertion Criteria. Collection method: clinical testing. Allele origin: germline.
Comment: NM_001211.6(BUB1B):c.2508C>G (p.His836Gln) is a missense variant that results in the substitution of histidine with glutamine. This variant is rare in population databases. Computational prediction algorithms are consistent with a benign effect. The currently available literature and clinical evidence are not sufficient to establish a definitive association between this variant and the reported condition. Therefore, this variant is classified as a variant of uncertain significance.

Labcorp Genetics (formerly Invitae), Labcorp
Classification: Uncertain significance for Mosaic variegated aneuploidy syndrome 1. Last evaluated: 2025-06-12. Review status: criteria provided, single submitter. Criteria: Invitae Variant Classification Sherloc (09022015). Collection method: clinical testing. Allele origin: germline.
Comment: This sequence change replaces histidine, which is basic and polar, with glutamine, which is neutral and polar, at codon 836 of the BUB1B protein (p.His836Gln). This variant is present in population databases (rs181352808, gnomAD 0.01%). This variant has not been reported in the literature in individuals affected with BUB1B-related conditions. ClinVar contains an entry for this variant (Variation ID: 844989). An algorithm developed to predict the effect of missense changes on protein structure and function (PolyPhen-2) suggests that this variant is likely to be tolerated. In summary, the available evidence is currently insufficient to determine the role of this variant in disease. Therefore, it has been classified as a Variant of Uncertain Significance.

Ambry Genetics
Classification: Uncertain significance for Inborn genetic diseases. Last evaluated: 2023-02-03. Review status: criteria provided, single submitter. Criteria: Ambry Variant Classification Scheme 2023. Collection method: clinical testing. Allele origin: germline.
Comment: The p.H836Q variant (also known as c.2508C>G), located in coding exon 19 of the BUB1B gene, results from a C to G substitution at nucleotide position 2508. The histidine at codon 836 is replaced by glutamine, an amino acid with highly similar properties. This amino acid position is conserved. In addition, this alteration is predicted to be tolerated by in silico analysis. Since supporting evidence is limited at this time, the clinical significance of this alteration remains unclear.